The following is an entry in ClinVar:

NM_001276270.2(MBD4):c.1098A>T (p.Glu366Asp)

Gene: MBD4 (methyl-CpG binding domain 4, DNA glycosylase; minus strand). Cytogenetic location: 3q21.3.
Variant type: single nucleotide variant.
Coding change: c.1098A>T on transcript NM_001276270.2 (MANE Select); coding-DNA position 1098, A replaced by T.
Protein change: p.Glu366Asp; replaces glutamic acid 366 with aspartic acid.
Molecular consequence: missense variant. On other transcripts: intron variant (1).
Genome position (GRCh38, 1-based): chr3:129,436,546, T>A on the plus strand (A>T on the coding strand, the complement: MBD4 is on the minus strand). VCF-style: chr3-129436546-T-A. GRCh37 (hg19) VCF-style: chr3-129155389-T-A.
Other names: c.1098A>T, p.Glu366Asp (NM_001276271.2, NM_001276272.2, NM_003925.3); c.247+1262A>T (NM_001276273.2); short protein forms E366D.
Identifiers: ClinVar variation 4825711 (VCV004825711.1).

ClinVar aggregate classification (germline): Uncertain significance (1 of 4 stars; one submission).

Conditions:
Inborn genetic diseases. Identifiers: MedGen C0950123, MeSH D030342.

Submission:

Ambry Genetics
Classification: Uncertain significance for Inborn genetic diseases. Last evaluated: 2026-02-20. Review status: criteria provided, single submitter. Criteria: Ambry Variant Classification Scheme 2023. Collection method: clinical testing. Allele origin: germline.
Comment: The p.E366D variant (also known as c.1098A>T), located in coding exon 3 of the MBD4 gene, results from an A to T substitution at nucleotide position 1098. The glutamic acid at codon 366 is replaced by aspartic acid, an amino acid with highly similar properties. This amino acid position is well conserved in available vertebrate species. In addition, this alteration is predicted to be tolerated by in silico analysis. Based on the available evidence, the clinical significance of this variant remains unclear.